The following is an entry in ClinVar:

ClinVar aggregate classification (germline): Conflicting classifications of pathogenicity. Review status: criteria provided, conflicting classifications (1 of 4 stars). 5 submissions from 5 submitters: Uncertain significance (3); Likely benign (1). 1 of the submissions does not count toward it. Last evaluated 2026-01-22.

Conditions:
Retinal dystrophy. Also called: Inherited retinal dystrophy. Identifiers: Orphanet 71862, MedGen C0854723, MeSH D058499, MONDO:0019118, HP:0000556.
Retinitis pigmentosa 59 (RP59). Identifiers: Orphanet 791, MedGen C3151227, MONDO:0013468, OMIM 613861.
Inborn genetic diseases. Identifiers: MedGen C0950123, MeSH D030342.

Allele frequency attached by ClinVar (database versions not stated): ExAC 0.00005; gnomAD 0.00007 and 0.00011; gnomAD exomes 0.00008; TOPMed 0.00010.
gnomAD v4.1: 128 of 1,613,626 alleles (0.0079%); highest among the groups gnomAD compares: Admixed American, 0.013%; no homozygotes.

Submissions (5):

Labcorp Genetics (formerly Invitae), Labcorp
Classification: Uncertain significance for Retinitis pigmentosa 59. Last evaluated: 2026-01-22. Review status: criteria provided, single submitter. Criteria: Invitae Variant Classification Sherloc (09022015). Collection method: clinical testing. Allele origin: germline.
Comment: This sequence change replaces aspartic acid, which is acidic and polar, with asparagine, which is neutral and polar, at codon 189 of the DHDDS protein (p.Asp189Asn). This variant is present in population databases (rs748833924, gnomAD 0.02%). This variant has not been reported in the literature in individuals affected with DHDDS-related conditions. ClinVar contains an entry for this variant (Variation ID: 1352776). Invitae Evidence Modeling of protein sequence and biophysical properties (such as structural, functional, and spatial information, amino acid conservation, physicochemical variation, residue mobility, and thermodynamic stability) indicates that this missense variant is not expected to disrupt DHDDS protein function with a negative predictive value of 80%. In summary, the available evidence is currently insufficient to determine the role of this variant in disease. Therefore, it has been classified as a Variant of Uncertain Significance.

Ambry Genetics
Classification: Uncertain significance for Inborn genetic diseases. Last evaluated: 2025-11-20. Review status: criteria provided, single submitter. Criteria: Ambry Variant Classification Scheme 2023. Collection method: clinical testing. Allele origin: germline.

Blueprint Genetics
Classification: Uncertain significance. Last evaluated: 2024-03-28. Review status: criteria provided, single submitter. Criteria: ACMG Guidelines, 2015. Collection method: clinical testing. Allele origin: germline.

CeGaT Center for Human Genetics Tuebingen
Classification: Likely benign. Last evaluated: 2024-01-01. Review status: criteria provided, single submitter. Criteria: CeGaT Center For Human Genetics Tuebingen Variant Classification Criteria Version 2. Collection method: clinical testing. Allele origin: germline. Affected: yes. Observed: 1 variant allele.
Comment: DHDDS: BP4

Institute of Human Genetics, Univ. Regensburg, Univ. Regensburg
Classification: Uncertain significance for Retinal dystrophy. Last evaluated: 2022-01-01. Review status: no assertion criteria provided. Criteria: ACMG Guidelines, 2015. Collection method: clinical testing. Allele origin: germline. Affected: yes. Not counted in ClinVar's aggregate classification.

NM_205861.3(DHDDS):c.565G>A (p.Asp189Asn)

Gene: DHDDS (dehydrodolichyl diphosphate synthase subunit; plus strand). Cytogenetic location: 1p36.11.
Variant type: single nucleotide variant.
Coding change: c.565G>A on transcript NM_205861.3 (MANE Select); coding-DNA position 565, G replaced by A.
Protein change: p.Asp189Asn; replaces aspartic acid 189 with asparagine.
Molecular consequence: missense variant.
Genome position (GRCh38, 1-based): chr1:26,457,813, G>A. VCF-style: chr1-26457813-G-A. GRCh37 (hg19) VCF-style: chr1-26784304-G-A.
Other names: c.463G>A, p.Asp155Asn (NM_001243564.2); c.448G>A, p.Asp150Asn (NM_001243565.2); c.286G>A, p.Asp96Asn (NM_001319959.2); c.565G>A, p.Asp189Asn (NM_024887.4); c.565G>A (NM_024887.3); short protein forms D96N, D150N, D189N, D155N.
Identifiers: ClinVar variation 1352776 (VCV001352776.29), dbSNP rs748833924, ClinGen allele CA705402.